The following is an entry in ClinVar:

ClinVar aggregate classification (germline): Uncertain significance. Review status: criteria provided, multiple submitters, no conflicts (2 of 4 stars). 2 submissions from 2 submitters: Uncertain significance (2). Last evaluated 2024-05-16.

Conditions:
Alagille syndrome due to a JAG1 point mutation. Also called: JAG1-Related Alagille Syndrome; HEPATIC DUCTULAR HYPOPLASIA, SYNDROMATIC; Alagille Syndrome 1. Identifiers: Orphanet 261619, Orphanet 52, MedGen C1956125, MONDO:0016862, OMIM 118450.

gnomAD v4.1: 29 of 1,614,164 alleles (0.0018%); highest among the groups gnomAD compares: Non-Finnish European, 0.0025%; no homozygotes.

Submissions (2):

Labcorp Genetics (formerly Invitae), Labcorp
Classification: Uncertain significance for Alagille syndrome due to a JAG1 point mutation. Last evaluated: 2024-05-16. Review status: criteria provided, single submitter. Criteria: Invitae Variant Classification Sherloc (09022015). Collection method: clinical testing. Allele origin: germline.
Comment: This sequence change replaces glutamic acid, which is acidic and polar, with glutamine, which is neutral and polar, at codon 1215 of the JAG1 protein (p.Glu1215Gln). This variant is not present in population databases (gnomAD no frequency). This variant has not been reported in the literature in individuals affected with JAG1-related conditions. Advanced modeling of protein sequence and biophysical properties (such as structural, functional, and spatial information, amino acid conservation, physicochemical variation, residue mobility, and thermodynamic stability) performed at Invitae indicates that this missense variant is not expected to disrupt JAG1 protein function with a negative predictive value of 95%. In summary, the available evidence is currently insufficient to determine the role of this variant in disease. Therefore, it has been classified as a Variant of Uncertain Significance.

Blueprint Genetics
Classification: Uncertain significance. Last evaluated: 2022-08-23. Review status: criteria provided, single submitter. Criteria: ACMG Guidelines, 2015. Collection method: clinical testing. Allele origin: germline.

NM_000214.3(JAG1):c.3643G>C (p.Glu1215Gln)

Gene: JAG1 (jagged canonical Notch ligand 1; minus strand). Cytogenetic location: 20p12.2.
Variant type: single nucleotide variant.
Coding change: c.3643G>C on transcript NM_000214.3 (MANE Select); coding-DNA position 3643, G replaced by C.
Protein change: p.Glu1215Gln; replaces glutamic acid 1215 with glutamine.
Molecular consequence: missense variant.
Genome position (GRCh38, 1-based): chr20:10,639,512, C>G on the plus strand (G>C on the coding strand, the complement: JAG1 is on the minus strand). VCF-style: chr20-10639512-C-G. GRCh37 (hg19) VCF-style: chr20-10620160-C-G.
Other names: short protein forms E1215Q.
Identifiers: ClinVar variation 3668388 (VCV003668388.3).